The following is an entry in ClinVar:

ClinVar aggregate classification (germline): Uncertain significance. Review status: criteria provided, multiple submitters, no conflicts (2 of 4 stars). 2 submissions from 2 submitters: Uncertain significance (2). Last evaluated 2024-06-29.

Allele frequency attached by ClinVar (database versions not stated): TOPMed below 0.00001.

Submissions (2):

Ambry Genetics
Classification: Uncertain significance. Last evaluated: 2024-06-29. Review status: criteria provided, single submitter. Criteria: Ambry Variant Classification Scheme 2023. Collection method: clinical testing. Allele origin: germline.
Comment: The p.A538T variant (also known as c.1612G>A), located in coding exon 11 of the RINT1 gene, results from a G to A substitution at nucleotide position 1612. The alanine at codon 538 is replaced by threonine, an amino acid with similar properties. This amino acid position is conserved. In addition, the in silico prediction for this alteration is inconclusive. Since supporting evidence is limited at this time, the clinical significance of this alteration remains unclear.

Labcorp Genetics (formerly Invitae), Labcorp
Classification: Uncertain significance. Last evaluated: 2022-03-26. Review status: criteria provided, single submitter. Criteria: Invitae Variant Classification Sherloc (09022015). Collection method: clinical testing. Allele origin: germline.
Comment: This variant is not present in population databases (gnomAD no frequency). This sequence change replaces alanine, which is neutral and non-polar, with threonine, which is neutral and polar, at codon 538 of the RINT1 protein (p.Ala538Thr). This variant has not been reported in the literature in individuals affected with RINT1-related conditions. In summary, the available evidence is currently insufficient to determine the role of this variant in disease. Therefore, it has been classified as a Variant of Uncertain Significance. Algorithms developed to predict the effect of missense changes on protein structure and function are either unavailable or do not agree on the potential impact of this missense change (SIFT: "Tolerated"; PolyPhen-2: "Probably Damaging"; Align-GVGD: "Class C0").

NM_021930.6(RINT1):c.1612G>A (p.Ala538Thr)

Gene: RINT1 (RAD50 interactor 1; plus strand). Cytogenetic location: 7q22.3.
Variant type: single nucleotide variant.
Coding change: c.1612G>A on transcript NM_021930.6 (MANE Select); coding-DNA position 1612, G replaced by A.
Protein change: p.Ala538Thr; replaces alanine 538 with threonine.
Molecular consequence: missense variant.
Genome position (GRCh38, 1-based): chr7:105,555,168, G>A. VCF-style: chr7-105555168-G-A. GRCh37 (hg19) VCF-style: chr7-105195615-G-A.
Other names: c.1378G>A, p.Ala460Thr (NM_001346599.2); c.589G>A, p.Ala197Thr (NM_001346600.2, NM_001346603.2); c.688G>A, p.Ala230Thr (NM_001346601.2); short protein forms A230T, A538T, A197T, A460T.
Identifiers: ClinVar variation 1776425 (VCV001776425.8), dbSNP rs1791125120, ClinGen allele CA368811839.